The following is an entry in ClinVar:

NM_007078.3(LDB3):c.2155A>C (p.Lys719Gln)

Gene: LDB3 (LIM domain binding 3; plus strand). Cytogenetic location: 10q23.2.
Variant type: single nucleotide variant.
Coding change: c.2155A>C on transcript NM_007078.3 (MANE Select); coding-DNA position 2155, A replaced by C.
Protein change: p.Lys719Gln; replaces lysine 719 with glutamine.
Molecular consequence: missense variant.
Genome position (GRCh38, 1-based): chr10:86,732,947, A>C. VCF-style: chr10-86732947-A-C. GRCh37 (hg19) VCF-style: chr10-88492704-A-C.
Other names: c.2155A>C (LRG_385t1); c.1825A>C, p.Lys609Gln (NM_001080114.2); c.2170A>C, p.Lys724Gln (NM_001171610.2); c.1966A>C, p.Lys656Gln (NM_001368064.1, NM_001368065.1); c.2014A>C, p.Lys672Gln (NM_001368066.1); short protein forms K719Q, K672Q, K609Q, K656Q, K724Q.
Identifiers: ClinVar variation 519083 (VCV000519083.16), dbSNP rs397517220, ClinGen allele CA377460431.

ClinVar aggregate classification (germline): Uncertain significance. Review status: criteria provided, multiple submitters, no conflicts (2 of 4 stars). 3 submissions from 3 submitters: Uncertain significance (3). Last evaluated 2024-01-16.

Conditions:
Cardiovascular phenotype. Identifiers: MedGen CN230736.
Myofibrillar myopathy 4. Also called: Zaspopathy (type). Identifiers: Orphanet 98912, MedGen C4721886, MONDO:0012277, OMIM 609452.

Submissions (3):

GeneDx
Classification: Uncertain significance. Last evaluated: 2024-01-16. Review status: criteria provided, single submitter. Criteria: GeneDx Variant Classification Process June 2021. Collection method: clinical testing. Allele origin: germline. Affected: yes.
Comment: Reported using an alternate transcript of the gene; Has not been previously published as pathogenic or benign to our knowledge; Not observed at significant frequency in large population cohorts (gnomAD); In silico analysis supports that this missense variant has a deleterious effect on protein structure/function

Labcorp Genetics (formerly Invitae), Labcorp
Classification: Uncertain significance for Myofibrillar myopathy 4. Last evaluated: 2022-08-09. Review status: criteria provided, single submitter. Criteria: Invitae Variant Classification Sherloc (09022015). Collection method: clinical testing. Allele origin: germline.
Comment: This sequence change replaces lysine, which is basic and polar, with glutamine, which is neutral and polar, at codon 719 of the LDB3 protein (p.Lys719Gln). The LDB3 gene has multiple clinically relevant transcripts. This variant occurs in alternate transcript NM_007078.3, and corresponds to NM_001080116.1:c.*33573A>C in the primary transcript. This variant is not present in population databases (gnomAD no frequency). In summary, the available evidence is currently insufficient to determine the role of this variant in disease. Therefore, it has been classified as a Variant of Uncertain Significance. Experimental studies and prediction algorithms are not available or were not evaluated, and the functional significance of this variant is currently unknown. This variant has not been reported in the literature in individuals affected with LDB3-related conditions.

Ambry Genetics
Classification: Uncertain significance for Cardiovascular phenotype. Last evaluated: 2015-10-28. Review status: criteria provided, single submitter. Criteria: Ambry Variant Classification Scheme 2023. Collection method: clinical testing. Allele origin: germline.
Comment: The p.K719Q variant (also known as c.2155A>C), located in coding exon 13 of the LDB3 gene, results from an A to C substitution at nucleotide position 2155. The lysine at codon 719 is replaced by glutamine, an amino acid with a few similar properties. This variant was not reported in population based cohorts in the following databases: Database of Single Nucleotide Polymorphisms (dbSNP), NHLBI Exome Sequencing Project (ESP), and 1000 Genomes Project. In the ESP, this variant was not observed in 6503 samples (13006 alleles) with coverage at this position. This amino acid position is highly conserved in available vertebrate species. In addition, the in silico prediction for this alteration is inconclusive. Since supporting evidence is limited at this time, the clinical significance of this variant remains unclear.